The following is an entry in ClinVar:

ClinVar aggregate classification (germline): Likely pathogenic (1 of 4 stars; one submission).

Submission:

GeneDx
Classification: Likely pathogenic. Last evaluated: 2025-09-03. Review status: criteria provided, single submitter. Criteria: GeneDx Variant Classification Process June 2021. Collection method: clinical testing. Allele origin: germline. Affected: yes.
Comment: Has not been previously published as pathogenic or benign to our knowledge; Not observed in large population cohorts (gnomAD); In silico analysis supports that this missense variant has a deleterious effect on protein structure/function

NM_006236.3(POU3F3):c.1348G>A (p.Val450Met)

Gene: POU3F3 (POU class 3 homeobox 3; plus strand). Cytogenetic location: 2q12.1.
Variant type: single nucleotide variant.
Coding change: c.1348G>A on transcript NM_006236.3 (MANE Select); coding-DNA position 1348, G replaced by A.
Protein change: p.Val450Met; replaces valine 450 with methionine.
Molecular consequence: missense variant.
Genome position (GRCh38, 1-based): chr2:104,856,858, G>A. VCF-style: chr2-104856858-G-A. GRCh37 (hg19) VCF-style: chr2-105473316-G-A.
Other names: short protein forms V450M.
Identifiers: ClinVar variation 1308458 (VCV001308458.3), dbSNP rs2104341254, ClinGen allele CA348098764.